The following is an entry in ClinVar:

NM_001204.7(BMPR2):c.1822C>G (p.Leu608Val)

Gene: BMPR2 (bone morphogenetic protein receptor type 2; plus strand). Cytogenetic location: 2q33.2.
Variant type: single nucleotide variant.
Coding change: c.1822C>G on transcript NM_001204.7 (MANE Select); coding-DNA position 1822, C replaced by G.
Protein change: p.Leu608Val; replaces leucine 608 with valine.
Molecular consequence: missense variant.
Genome position (GRCh38, 1-based): chr2:202,555,487, C>G. VCF-style: chr2-202555487-C-G. GRCh37 (hg19) VCF-style: chr2-203420210-C-G.
Other names: c.1822C>G (NM_001204.6); short protein forms L608V.
Identifiers: ClinVar variation 1582162 (VCV001582162.9), dbSNP rs768979615, ClinGen allele CA2061457.

ClinVar aggregate classification (germline): Conflicting classifications of pathogenicity. Review status: criteria provided, conflicting classifications (1 of 4 stars). 2 submissions from 2 submitters: Uncertain significance (1); Likely benign (1). Last evaluated 2025-04-14.

Conditions:
Primary pulmonary hypertension. Also called: Idiopathic pulmonary hypertension. Identifiers: MedGen C0152171.
Inborn genetic diseases. Identifiers: MedGen C0950123, MeSH D030342.

Allele frequency attached by ClinVar (database versions not stated): gnomAD exomes 0.00005; ExAC 0.00007.
gnomAD v4.1: 30 of 1,614,068 alleles (0.0019%); highest among the groups gnomAD compares: South Asian, 0.033%; 2 homozygotes.

Submissions (2):

Ambry Genetics
Classification: Uncertain significance for Inborn genetic diseases. Last evaluated: 2025-04-14. Review status: criteria provided, single submitter. Criteria: Ambry Variant Classification Scheme 2023. Collection method: clinical testing. Allele origin: germline.
Comment: The p.L608V variant (also known as c.1822C>G), located in coding exon 12 of the BMPR2 gene, results from a C to G substitution at nucleotide position 1822. The leucine at codon 608 is replaced by valine, an amino acid with highly similar properties. This amino acid position is conserved. In addition, this alteration is predicted to be tolerated by in silico analysis. Based on the available evidence, the clinical significance of this variant remains unclear.

Labcorp Genetics (formerly Invitae), Labcorp
Classification: Likely benign for Primary pulmonary hypertension. Last evaluated: 2021-11-13. Review status: criteria provided, single submitter. Criteria: Invitae Variant Classification Sherloc (09022015). Collection method: clinical testing. Allele origin: germline.